The following is an entry in ClinVar:

ClinVar aggregate classification (germline): Likely benign. Review status: criteria provided, multiple submitters, no conflicts (2 of 4 stars). 2 submissions from 2 submitters: Likely benign (2). Last evaluated 2025-08-30.

Conditions:
Hereditary cancer-predisposing syndrome. Also called: Hereditary Cancer Syndrome; Neoplastic Syndromes, Hereditary; Tumor predisposition; Hereditary neoplastic syndrome. Identifiers: Orphanet 140162, MedGen C0027672, MeSH D009386, MONDO:0015356.

Submissions (2):

Ambry Genetics
Classification: Likely benign for Hereditary cancer-predisposing syndrome. Last evaluated: 2025-08-30. Review status: criteria provided, single submitter. Criteria: Ambry Variant Classification Scheme 2023. Collection method: clinical testing. Allele origin: germline.

CeGaT Center for Human Genetics Tuebingen
Classification: Likely benign. Last evaluated: 2025-08-01. Review status: criteria provided, single submitter. Criteria: CeGaT Center For Human Genetics Tuebingen Variant Classification Criteria Version 2. Collection method: clinical testing. Allele origin: germline. Affected: yes. Observed: 1 variant allele.
Comment: SUFU: PM2:Supporting, BP4, BP7

NM_016169.4(SUFU):c.570A>C (p.Thr190=)

Gene: SUFU (SUFU negative regulator of hedgehog signaling; plus strand). Cytogenetic location: 10q24.32.
Variant type: single nucleotide variant.
Coding change: c.570A>C on transcript NM_016169.4 (MANE Select); coding-DNA position 570, A replaced by C.
Protein change: p.Thr190=; no amino-acid change (threonine 190 retained).
Molecular consequence: synonymous variant.
Genome position (GRCh38, 1-based): chr10:102,592,697, A>C. VCF-style: chr10-102592697-A-C. GRCh37 (hg19) VCF-style: chr10-104352454-A-C.
Other names: c.570A>C, p.Thr190= (NM_001178133.2).
Identifiers: ClinVar variation 4085735 (VCV004085735.9).